The following is an entry in ClinVar:

NM_005733.3(KIF20A):c.578G>T (p.Gly193Val)

Gene: KIF20A (kinesin family member 20A; plus strand). Cytogenetic location: 5q31.2.
Variant type: single nucleotide variant.
Coding change: c.578G>T on transcript NM_005733.3 (MANE Select); coding-DNA position 578, G replaced by T.
Protein change: p.Gly193Val; replaces glycine 193 with valine.
Molecular consequence: missense variant.
Genome position (GRCh38, 1-based): chr5:138,182,649, G>T. VCF-style: chr5-138182649-G-T. GRCh37 (hg19) VCF-style: chr5-137518338-G-T.
Other names: short protein forms G193V.
Identifiers: ClinVar variation 3608227 (VCV003608227.2).
Genomic context (GRCh38, chr5:138,182,649, plus strand): 5'-CCATCAAGGATGGAGGGATTCTCCCCCGGTCCCTGGCGCTGATCTTCAATAGCCTCCAAG[G>T]CCAACTTCATCCAACACCTGATCTGAAGCCCTTGCTCTCCAATGAGGTAATCTGGCTAGA-3'
Protein context (NP_005724.1, residues 183-203): SLALIFNSLQ[Gly193Val]QLHPTPDLKP

ClinVar aggregate classification (germline): Uncertain significance (1 of 4 stars; one submission).

Submission:

Labcorp Genetics (formerly Invitae), Labcorp
Classification: Uncertain significance. Last evaluated: 2025-04-17. Review status: criteria provided, single submitter. Criteria: Invitae Variant Classification Sherloc (09022015). Collection method: clinical testing. Allele origin: germline.
Comment: This sequence change replaces glycine, which is neutral and non-polar, with valine, which is neutral and non-polar, at codon 193 of the KIF20A protein (p.Gly193Val). This variant is present in population databases (rs374761244, gnomAD 0.002%). This variant has not been reported in the literature in individuals affected with KIF20A-related conditions. ClinVar contains an entry for this variant (Variation ID: 3608227). An algorithm developed to predict the effect of missense changes on protein structure and function (PolyPhen-2) suggests that this variant is likely to be disruptive. In summary, the available evidence is currently insufficient to determine the role of this variant in disease. Therefore, it has been classified as a Variant of Uncertain Significance.